The following is an entry in ClinVar:

NM_000219.6(KCNE1):c.214G>T (p.Glu72Ter)

Gene: KCNE1 (potassium voltage-gated channel subfamily E regulatory subunit 1; minus strand). Cytogenetic location: 21q22.12.
Variant type: single nucleotide variant.
Coding change: c.214G>T on transcript NM_000219.6 (MANE Select); coding-DNA position 214, G replaced by T.
Protein change: p.Glu72Ter; replaces glutamic acid 72 with a stop codon.
Molecular consequence: nonsense.
Genome position (GRCh38, 1-based): chr21:34,449,421, C>A on the plus strand (G>T on the coding strand, the complement: KCNE1 is on the minus strand). VCF-style: chr21-34449421-C-A. GRCh37 (hg19) VCF-style: chr21-35821719-C-A.
Other names: c.214G>T, p.Glu72Ter (NM_001127668.4, NM_001127669.4, NM_001127670.4 and 4 more transcripts); short protein forms E72*.
Identifiers: ClinVar variation 3374347 (VCV003374347.2).

Conditions:
Long QT syndrome 5 (LQT5). Identifiers: Orphanet 101016, Orphanet 768, MedGen C1867904, MONDO:0013372, OMIM 613695.

Submission:

Roden Lab, Vanderbilt University Medical Center
No classification provided (evidence only). Condition: Long QT syndrome 5. Review status: no classification provided. Collection method: in vitro. Allele origin: not applicable. Functional consequence: Effect on ion channel function.
ClinVar note: "not provided" was previously submitted as the classification for the variant. However, the classification appeared to be based only on an observation of functional data so it was converted to no classification on 2025-07-30.